The following is an entry in ClinVar:

NM_005458.8(GABBR2):c.19T>C (p.Ser7Pro)

Gene: GABBR2 (gamma-aminobutyric acid type B receptor subunit 2; minus strand). Cytogenetic location: 9q22.33.
Variant type: single nucleotide variant.
Coding change: c.19T>C on transcript NM_005458.8 (MANE Select); coding-DNA position 19, T replaced by C.
Protein change: p.Ser7Pro; replaces serine 7 with proline.
Molecular consequence: missense variant.
Genome position (GRCh38, 1-based): chr9:98,708,719, A>G on the plus strand (T>C on the coding strand, the complement: GABBR2 is on the minus strand). VCF-style: chr9-98708719-A-G. GRCh37 (hg19) VCF-style: chr9-101471001-A-G.
Other names: short protein forms S7P.
Identifiers: ClinVar variation 4685052 (VCV004685052.1).

ClinVar aggregate classification (germline): Uncertain significance (1 of 4 stars; one submission).

Submission:

GeneDx
Classification: Uncertain significance. Last evaluated: 2025-07-11. Review status: criteria provided, single submitter. Criteria: GeneDx Variant Classification Process June 2021. Collection method: clinical testing. Allele origin: germline. Affected: yes.
Comment: Not observed at significant frequency in large population cohorts (gnomAD); In silico analysis suggests that this missense variant does not alter protein structure/function; Has not been previously published as pathogenic or benign to our knowledge